The following is an entry in ClinVar:

ClinVar aggregate classification (germline): Uncertain significance (1 of 4 stars; one submission).

Conditions:
EHHADH-related disorder. Also called: EHHADH-related condition.

Submission:

PreventionGenetics, part of Exact Sciences
Classification: Uncertain significance for EHHADH-related condition. Last evaluated: 2026-04-19. Review status: criteria provided, single submitter. Criteria: ACMG Guidelines, 2015. Collection method: clinical testing. Allele origin: germline.
Comment: The EHHADH c.115G>A variant is predicted to result in the amino acid substitution p.Ala39Thr. To our knowledge, this variant has not been reported in the literature or in a large population database (gnomAD), indicating this variant is rare. At this time, the clinical significance of this variant is uncertain due to the absence of conclusive functional and genetic evidence.

NM_001966.4(EHHADH):c.115G>A (p.Ala39Thr)

Gene: EHHADH (enoyl-CoA hydratase and 3-hydroxyacyl CoA dehydrogenase; minus strand). Cytogenetic location: 3q27.2.
Variant type: single nucleotide variant.
Coding change: c.115G>A on transcript NM_001966.4 (MANE Select); coding-DNA position 115, G replaced by A.
Protein change: p.Ala39Thr; replaces alanine 39 with threonine.
Molecular consequence: missense variant. On other transcripts: 5 prime UTR variant (1).
Genome position (GRCh38, 1-based): chr3:185,248,477, C>T on the plus strand (G>A on the coding strand, the complement: EHHADH is on the minus strand). VCF-style: chr3-185248477-C-T. GRCh37 (hg19) VCF-style: chr3-184966265-C-T.
Other names: c.-174G>A (NM_001166415.2); short protein forms A39T.
Identifiers: ClinVar variation 4992158 (VCV004992158.1).